The following is an entry in ClinVar:

ClinVar aggregate classification (germline): Uncertain significance (1 of 4 stars; one submission).

Conditions:
Familial thoracic aortic aneurysm and aortic dissection (TAAD). Also called: Thoracic aortic aneurysms and dissections. Identifiers: Orphanet 91387, MedGen C4707243, MONDO:0019625.

Submission:

Ambry Genetics
Classification: Uncertain significance for Familial thoracic aortic aneurysm and aortic dissection. Last evaluated: 2023-04-16. Review status: criteria provided, single submitter. Criteria: Ambry Variant Classification Scheme 2023. Collection method: clinical testing. Allele origin: germline.
Comment: The p.L1039M variant (also known as c.3115C>A), located in coding exon 23 of the MYH11 gene, results from a C to A substitution at nucleotide position 3115. The leucine at codon 1039 is replaced by methionine, an amino acid with highly similar properties. This amino acid position is conserved. In addition, the in silico prediction for this alteration is inconclusive. Since supporting evidence is limited at this time, the clinical significance of this alteration remains unclear.

NM_002474.3(MYH11):c.3115C>A (p.Leu1039Met)

Gene: MYH11 (myosin heavy chain 11; minus strand). Cytogenetic location: 16p13.11.
Variant type: single nucleotide variant.
Coding change: c.3115C>A on transcript NM_002474.3 (MANE Select); coding-DNA position 3115, C replaced by A.
Protein change: p.Leu1039Met; replaces leucine 1039 with methionine.
Molecular consequence: missense variant.
Genome position (GRCh38, 1-based): chr16:15,738,571, G>T on the plus strand (C>A on the coding strand, the complement: MYH11 is on the minus strand). VCF-style: chr16-15738571-G-T. GRCh37 (hg19) VCF-style: chr16-15832428-G-T.
Other names: c.3136C>A, p.Leu1046Met (NM_001040113.2, NM_001040114.2); c.3115C>A, p.Leu1039Met (NM_022844.3); short protein forms L1039M, L1046M.
Identifiers: ClinVar variation 2563072 (VCV002563072.2), dbSNP rs1223757069, ClinGen allele CA394863575.